The following is an entry in ClinVar:

ClinVar aggregate classification (germline): Uncertain significance (1 of 4 stars; one submission).

Conditions:
Duchenne muscular dystrophy (DMD). Also called: MUSCULAR DYSTROPHY, PSEUDOHYPERTROPHIC PROGRESSIVE, DUCHENNE TYPE; Duchenne Muscular Dystrophy (DMD). Identifiers: Orphanet 98896, MedGen C0013264, MONDO:0010679, OMIM 310200.

Submission:

Labcorp Genetics (formerly Invitae), Labcorp
Classification: Uncertain significance for Duchenne muscular dystrophy. Last evaluated: 2025-09-25. Review status: criteria provided, single submitter. Criteria: Invitae Variant Classification Sherloc (09022015). Collection method: clinical testing. Allele origin: germline.
Comment: This sequence change replaces glutamic acid, which is acidic and polar, with lysine, which is basic and polar, at codon 2287 of the DMD protein (p.Glu2287Lys). This variant is not present in population databases (gnomAD no frequency). This variant has not been reported in the literature in individuals affected with DMD-related conditions. Invitae Evidence Modeling of protein sequence and biophysical properties (such as structural, functional, and spatial information, amino acid conservation, physicochemical variation, residue mobility, and thermodynamic stability) indicates that this missense variant is not expected to disrupt DMD protein function with a negative predictive value of 95%. In summary, the available evidence is currently insufficient to determine the role of this variant in disease. Therefore, it has been classified as a Variant of Uncertain Significance.

NM_004006.3(DMD):c.6859G>A (p.Glu2287Lys)

Gene: DMD (dystrophin; minus strand). Cytogenetic location: Xp21.1.
Variant type: single nucleotide variant.
Coding change: c.6859G>A on transcript NM_004006.3 (MANE Select); coding-DNA position 6859, G replaced by A.
Protein change: p.Glu2287Lys; replaces glutamic acid 2287 with lysine.
Molecular consequence: missense variant. On other transcripts: 5 prime UTR variant (5).
Genome position (GRCh38, 1-based): chrX:31,929,649, C>T on the plus strand (G>A on the coding strand, the complement: DMD is on the minus strand). VCF-style: chrX-31929649-C-T. GRCh37 (hg19) VCF-style: chrX-31947766-C-T.
Other names: c.6835G>A, p.Glu2279Lys (NM_000109.4); c.6847G>A, p.Glu2283Lys (NM_004009.3); c.6490G>A, p.Glu2164Lys (NM_004010.3); c.2836G>A, p.Glu946Lys (NM_004011.4); c.2827G>A, p.Glu943Lys (NM_004012.4); c.-522G>A (NM_004013.3, NM_004020.4, NM_004021.3 and 2 more transcripts); short protein forms E2164K, E2279K, E2283K, E2287K, E943K, E946K.
Identifiers: ClinVar variation 4798796 (VCV004798796.1).